The following is an entry in ClinVar:

ClinVar aggregate classification (germline): Likely benign. Review status: criteria provided, multiple submitters, no conflicts (2 of 4 stars). 2 submissions from 2 submitters: Likely benign (2). Last evaluated 2026-03-01.

Conditions:
Autosomal dominant nonsyndromic hearing loss 65. Also called: Deafness, autosomal dominant 65; TBC1D24-Related Autosomal Dominant Nonsyndromic Hearing Loss (DFNA). Identifiers: Orphanet 90635, MedGen C3892048, MONDO:0014470, OMIM 616044.
Developmental and epileptic encephalopathy, 1 (DEE1). Also called: Epileptic encephalopathy, early infantile, 1; INFANTILE SPASM SYNDROME, X-LINKED 1; X-linked infantile spasms; West's syndrome; Tonic spasms with clustering, arrest of psychomotor development and hypsarrhythmia on EEG; X-Linked Infantile Spasm Syndrome. Identifiers: MedGen C3463992, MONDO:0010632, OMIM 308350. Disease mechanism: loss of function.

Allele frequency attached by ClinVar (database versions not stated): ExAC 0.00001; gnomAD 0.00001; gnomAD exomes 0.00001; TOPMed 0.00001; 1000 Genomes Project 30x 0.00016; 1000 Genomes Project 0.00020.
gnomAD v4.1: 22 of 1,613,510 alleles (0.0014%); highest among the groups gnomAD compares: South Asian, 0.0055%; no homozygotes.

Submissions (2):

CeGaT Center for Human Genetics Tuebingen
Classification: Likely benign. Last evaluated: 2026-03-01. Review status: criteria provided, single submitter. Criteria: CeGaT Center For Human Genetics Tuebingen Variant Classification Criteria Version 2. Collection method: clinical testing. Allele origin: germline. Affected: yes. Observed: 1 variant allele.
Comment: TBC1D24: BP4, BP7

Labcorp Genetics (formerly Invitae), Labcorp
Classification: Likely benign for Developmental and epileptic encephalopathy, 1; Autosomal dominant nonsyndromic hearing loss 65. Last evaluated: 2025-01-08. Review status: criteria provided, single submitter. Criteria: Invitae Variant Classification Sherloc (09022015). Collection method: clinical testing. Allele origin: germline.

NM_001199107.2(TBC1D24):c.1197G>A (p.Thr399=)

Gene: TBC1D24 (TBC1 domain family member 24; plus strand). Cytogenetic location: 16p13.3.
Variant type: single nucleotide variant.
Coding change: c.1197G>A on transcript NM_001199107.2 (MANE Select); coding-DNA position 1197, G replaced by A.
Protein change: p.Thr399=; no amino-acid change (threonine 399 retained).
Molecular consequence: synonymous variant.
Genome position (GRCh38, 1-based): chr16:2,499,411, G>A. VCF-style: chr16-2499411-G-A. GRCh37 (hg19) VCF-style: chr16-2549412-G-A.
Other names: c.1179G>A, p.Thr393= (NM_020705.3).
Identifiers: ClinVar variation 1578053 (VCV001578053.12), dbSNP rs568288551, ClinGen allele CA7844194.